The following is an entry in ClinVar:

ClinVar aggregate classification (germline): Benign (1 of 4 stars; one submission).

Conditions:
Pheochromocytoma/paraganglioma syndrome 5. Also called: Paragangliomas 5; SDHA-Related Hereditary Paraganglioma-Pheochromocytoma Syndrome. Identifiers: Orphanet 29072, MedGen C3279992, MONDO:0013602, OMIM 614165.

Submission:

Myriad Genetics, Inc.
Classification: Benign for Pheochromocytoma/paraganglioma syndrome 5. Last evaluated: 2023-11-06. Review status: criteria provided, single submitter. Criteria: Myriad Autosomal Dominant, Autosomal Recessive and X-Linked Classification Criteria (2023). Collection method: clinical testing. Allele origin: unknown.
Comment: This variant is considered benign. This variant is intronic and is not expected to impact mRNA splicing.

NM_004168.4(SDHA):c.-28_-20dup

Gene: SDHA (succinate dehydrogenase complex flavoprotein subunit A; plus strand). Cytogenetic location: 5p15.33.
Variant type: Duplication.
Coding change: c.-28_-20dup on transcript NM_004168.4 (MANE Select); 28 bases upstream of the start codon through 20 bases upstream of the start codon, 9 bases duplicated (GCGGGACTG; older notation c.-28_-20dupGCGGGACTG).
Molecular consequence: 5 prime UTR variant.
Genome position (GRCh38, 1-based): chr5:218,328-218,336, GCGGGACTG duplicated; duplicating any 9 consecutive bases within chr5:218,321-218,336 gives the same sequence; the c. name uses the placement nearest the transcript's 3' end. VCF-style (leftmost placement, unchanged base first): chr5-218320-A-AGGGACTGGC. GRCh37 (hg19) VCF-style: chr5-218435-A-AGGGACTGGC.
Other names: c.-28_-20dup (NM_001294332.2, NM_001330758.2).
Identifiers: ClinVar variation 2673969 (VCV002673969.1), dbSNP rs2477250587, ClinGen allele CA2695198569.